The following is an entry in ClinVar:

ClinVar aggregate classification (germline): Likely pathogenic (1 of 4 stars; one submission).

Conditions:
Hereditary cancer-predisposing syndrome. Also called: Tumor predisposition; Hereditary Cancer Syndrome; Hereditary neoplastic syndrome; Neoplastic Syndromes, Hereditary. Identifiers: Orphanet 140162, MedGen C0027672, MeSH D009386, MONDO:0015356.

Submission:

Ambry Genetics
Classification: Likely pathogenic for Hereditary cancer-predisposing syndrome. Last evaluated: 2025-04-30. Review status: criteria provided, single submitter. Criteria: Ambry Variant Classification Scheme 2023. Collection method: clinical testing. Allele origin: germline.
Comment: The c.2859+2T>G intronic variant results from a T to G substitution two nucleotides after coding exon 18 in the SMARCA4 gene. In silico splice site analysis predicts that this alteration will weaken the native splice donor site and will result in the creation or strengthening of a novel splice donor site; however direct evidence is insufficient. This nucleotide position is highly conserved in available vertebrate species. Alterations that disrupt the canonical splice site are expected to cause aberrant splicing, resulting in an abnormal protein or a transcript that is subject to nonsense-mediated mRNA decay. This variant is predicted to result in either an NMD-prone transcript or in-frame exon skipping. Loss-of-function variants in SMARCA4 are known to cause rhabdoid tumor predisposition syndrome including small cell carcinoma of the ovary-hypercalcemic type (SCCOHT); however, such associations with neurodevelopmental disorders are exceedingly rare (Kosho T et al. Am J Med Genet C Semin Med Genet. 2014 Sep;166C(3):262-75; Jelinic P et al. Nat Genet. 2014 May;46(5):424-6). Another alteration impacting the same donor site (c.2859+1G>C) has been described in the literature in two affected individuals from a family with SCCOHT and was reported to result in skipping of coding exon 18 (Witkowski L et al. Fam. Cancer. 2017 07;16(3):395-399). This variant is considered to be rare based on population cohorts in the Genome Aggregation Database (gnomAD). Based on the supporting evidence, this alteration is likely pathogenic for rhabdoid tumor predisposition syndrome; however, the association of this alteration with Coffin-Siris syndrome is unlikely.

NM_003072.5(SMARCA4):c.2859+2T>G

Gene: SMARCA4 (SWI/SNF related BAF chromatin remodeling complex subunit ATPase 4; plus strand). Cytogenetic location: 19p13.2.
Variant type: single nucleotide variant.
Coding change: c.2859+2T>G on transcript NM_003072.5 (MANE Select); the canonical splice donor site of the intron after coding-DNA position 2859, T replaced by G.
Molecular consequence: splice donor variant.
Genome position (GRCh38, 1-based): chr19:11,021,969, T>G. VCF-style: chr19-11021969-T-G. GRCh37 (hg19) VCF-style: chr19-11132645-T-G.
Other names: c.2859+2T>G (NM_001128844.3, NM_001128849.3, NM_001128847.4 and 6 more transcripts).
Identifiers: ClinVar variation 2587115 (VCV002587115.3), dbSNP rs2514887105, ClinGen allele CA404057231.
Genomic context (GRCh38, chr19:11,021,969, plus strand): 5'-AGAGCTGCAGCACCTTCGAGCAGTGGTTTAACGCACCCTTTGCCATGACCGGGGAAAAGG[T>G]GGGTTTGCCCAGCTGTGCCCATGCTGACGGTTCCAGGTGCGGCTGGCTTTGCTGGTTGGA-3'